The following is an entry in ClinVar:

ClinVar aggregate classification (germline): Uncertain significance (1 of 4 stars; one submission).

Conditions:
Spastic paraplegia. Identifiers: MedGen C0037772, HP:0001258.

gnomAD v4.1: 5 of 1,614,010 alleles (0.00031%); highest among the groups gnomAD compares: Middle Eastern, 0.016%; no homozygotes.

Submission:

Labcorp Genetics (formerly Invitae), Labcorp
Classification: Uncertain significance for Spastic paraplegia. Last evaluated: 2024-10-29. Review status: criteria provided, single submitter. Criteria: Invitae Variant Classification Sherloc (09022015). Collection method: clinical testing. Allele origin: germline.
Comment: This sequence change replaces asparagine, which is neutral and polar, with isoleucine, which is neutral and non-polar, at codon 934 of the ZFYVE26 protein (p.Asn934Ile). This variant is present in population databases (no rsID available, gnomAD 0.003%). This variant has not been reported in the literature in individuals affected with ZFYVE26-related conditions. ClinVar contains an entry for this variant (Variation ID: 969582). An algorithm developed to predict the effect of missense changes on protein structure and function (PolyPhen-2) suggests that this variant is likely to be tolerated. In summary, the available evidence is currently insufficient to determine the role of this variant in disease. Therefore, it has been classified as a Variant of Uncertain Significance.

NM_015346.4(ZFYVE26):c.2801A>T (p.Asn934Ile)

Gene: ZFYVE26 (zinc finger FYVE-type containing 26; minus strand). Cytogenetic location: 14q24.1.
Variant type: single nucleotide variant.
Coding change: c.2801A>T on transcript NM_015346.4 (MANE Select); coding-DNA position 2801, A replaced by T.
Protein change: p.Asn934Ile; replaces asparagine 934 with isoleucine.
Molecular consequence: missense variant.
Genome position (GRCh38, 1-based): chr14:67,789,553, T>A on the plus strand (A>T on the coding strand, the complement: ZFYVE26 is on the minus strand). VCF-style: chr14-67789553-T-A. GRCh37 (hg19) VCF-style: chr14-68256270-T-A.
Other names: short protein forms N934I.
Identifiers: ClinVar variation 969582 (VCV000969582.8), dbSNP rs776133422, ClinGen allele CA390173641.